The following is an entry in ClinVar:

NM_015158.5(KANK1):c.1930G>C (p.Glu644Gln)

Gene: KANK1 (KN motif and ankyrin repeat domains 1; plus strand). Cytogenetic location: 9p24.3.
Variant type: single nucleotide variant.
Coding change: c.1930G>C on transcript NM_015158.5 (MANE Select); coding-DNA position 1930, G replaced by C.
Protein change: p.Glu644Gln; replaces glutamic acid 644 with glutamine.
Molecular consequence: missense variant. On other transcripts: non-coding transcript variant (1).
Genome position (GRCh38, 1-based): chr9:712,696, G>C. VCF-style: chr9-712696-G-C. GRCh37 (hg19) VCF-style: chr9-712696-G-C.
Other names: c.1930G>C, p.Glu644Gln (NM_001256876.3, NM_001256877.3, NM_001354331.2 and 3 more transcripts); c.1456G>C, p.Glu486Gln (NM_001354333.2, NM_001354335.2, NM_001354336.2 and 10 more transcripts); short protein forms E644Q, E486Q.
Identifiers: ClinVar variation 4764684 (VCV004764684.1).

ClinVar aggregate classification (germline): Uncertain significance (1 of 4 stars; one submission).

Submission:

Labcorp Genetics (formerly Invitae), Labcorp
Classification: Uncertain significance. Last evaluated: 2025-07-21. Review status: criteria provided, single submitter. Criteria: Invitae Variant Classification Sherloc (09022015). Collection method: clinical testing. Allele origin: germline.
Comment: This sequence change replaces glutamic acid, which is acidic and polar, with glutamine, which is neutral and polar, at codon 644 of the KANK1 protein (p.Glu644Gln). This variant is not present in population databases (gnomAD no frequency). This variant has not been reported in the literature in individuals affected with KANK1-related conditions. An algorithm developed to predict the effect of missense changes on protein structure and function outputs the following: PolyPhen-2: "Benign". The glutamine amino acid residue is found in multiple mammalian species, which suggests that this missense change does not adversely affect protein function. In summary, the available evidence is currently insufficient to determine the role of this variant in disease. Therefore, it has been classified as a Variant of Uncertain Significance.